The following is an entry in ClinVar:

ClinVar aggregate classification (germline): Uncertain significance (1 of 4 stars; one submission).

gnomAD v4.1: 1 of 1,610,320 alleles (0.000062%); highest among the groups gnomAD compares: Non-Finnish European, 0.000085%; no homozygotes.

Submission:

Labcorp Genetics (formerly Invitae), Labcorp
Classification: Uncertain significance. Last evaluated: 2024-09-29. Review status: criteria provided, single submitter. Criteria: Invitae Variant Classification Sherloc (09022015). Collection method: clinical testing. Allele origin: germline.
Comment: This sequence change replaces proline, which is neutral and non-polar, with serine, which is neutral and polar, at codon 988 of the PHIP protein (p.Pro988Ser). This variant is not present in population databases (gnomAD no frequency). This variant has not been reported in the literature in individuals affected with PHIP-related conditions. Invitae Evidence Modeling of protein sequence and biophysical properties (such as structural, functional, and spatial information, amino acid conservation, physicochemical variation, residue mobility, and thermodynamic stability) indicates that this missense variant is not expected to disrupt PHIP protein function with a negative predictive value of 80%. In summary, the available evidence is currently insufficient to determine the role of this variant in disease. Therefore, it has been classified as a Variant of Uncertain Significance.

NM_017934.7(PHIP):c.2962C>T (p.Pro988Ser)

Genes: IRAK1BP1 (interleukin 1 receptor associated kinase 1 binding protein 1; plus strand), PHIP (PHIP subunit of CUL4-Ring ligase complex; minus strand). Cytogenetic location: 6q14.1.
Variant type: single nucleotide variant.
Coding change: c.2962C>T on transcript NM_017934.7 (MANE Select); coding-DNA position 2962, C replaced by T.
Protein change: p.Pro988Ser; replaces proline 988 with serine.
Molecular consequence: missense variant.
Genome position (GRCh38, 1-based): chr6:78,970,816, G>A on the plus strand (C>T on the coding strand, the complement: PHIP is on the minus strand). VCF-style: chr6-78970816-G-A. GRCh37 (hg19) VCF-style: chr6-79680533-G-A.
Other names: short protein forms P988S.
Identifiers: ClinVar variation 3670055 (VCV003670055.2).